The following is an entry in ClinVar:

ClinVar aggregate classification (germline): Uncertain significance (1 of 4 stars; one submission).

Conditions:
Desmin-related myofibrillar myopathy (MFM1). Also called: Desminopathy; MYOFIBRILLAR MYOPATHY WITH ARRHYTHMOGENIC RIGHT VENTRICULAR CARDIOMYOPATHY; DESMIN-RELATED MYOPATHY WITH ARRHYTHMOGENIC RIGHT VENTRICULAR CARDIOMYOPATHY; Desmin related myopathy (former name); Desmin storage myopathy (former name); Myofibrillar myopathy 1. Identifiers: Orphanet 363543, Orphanet 98909, MedGen C1832370, MONDO:0011076, OMIM 601419.

Allele frequency attached by ClinVar (database versions not stated): gnomAD exomes below 0.00001.
gnomAD v4.1: 2 of 1,614,060 alleles (0.00012%); highest among the groups gnomAD compares: Non-Finnish European, 0.00017%; no homozygotes.

Submission:

Labcorp Genetics (formerly Invitae), Labcorp
Classification: Uncertain significance for Desmin-related myofibrillar myopathy. Last evaluated: 2025-09-19. Review status: criteria provided, single submitter. Criteria: Invitae Variant Classification Sherloc (09022015). Collection method: clinical testing. Allele origin: germline.
Comment: This sequence change replaces leucine, which is neutral and non-polar, with proline, which is neutral and non-polar, at codon 398 of the DES protein (p.Leu398Pro). This variant is present in population databases (rs796115330, gnomAD 0.0009%). This missense change has been observed in individual(s) with clinical features of arrhythmogenic cardiomyopathy and/or left ventricular noncompaction, dilated cardiomyopathy (PMID: 29447731, 29892087; internal data). ClinVar contains an entry for this variant (Variation ID: 960484). Invitae Evidence Modeling of protein sequence and biophysical properties (such as structural, functional, and spatial information, amino acid conservation, physicochemical variation, residue mobility, and thermodynamic stability) indicates that this missense variant is expected to disrupt DES protein function with a positive predictive value of 95%. Experimental studies have shown that this missense change affects DES function (PMID: 30262925). In summary, the available evidence is currently insufficient to determine the role of this variant in disease. Therefore, it has been classified as a Variant of Uncertain Significance.

Literature cited by the submitters: PubMed 29447731; PubMed 29892087; PubMed 30262925.

NM_001927.4(DES):c.1193T>C (p.Leu398Pro)

Gene: DES (desmin; plus strand). Cytogenetic location: 2q35.
Variant type: single nucleotide variant.
Coding change: c.1193T>C on transcript NM_001927.4 (MANE Select); coding-DNA position 1193, T replaced by C.
Protein change: p.Leu398Pro; replaces leucine 398 with proline.
Molecular consequence: missense variant.
Genome position (GRCh38, 1-based): chr2:219,421,509, T>C. VCF-style: chr2-219421509-T-C. GRCh37 (hg19) VCF-style: chr2-220286231-T-C.
Other names: c.1190T>C, p.Leu397Pro (NM_001382708.1); c.761T>C, p.Leu254Pro (NM_001382709.1); c.1124T>C, p.Leu375Pro (NM_001382710.1); c.1172T>C, p.Leu391Pro (NM_001382711.1); c.1193T>C, p.Leu398Pro (NM_001382712.1); c.923T>C, p.Leu308Pro (NM_001382713.1); short protein forms L391P, L397P, L375P, L398P, L254P, L308P.
Identifiers: ClinVar variation 960484 (VCV000960484.11), dbSNP rs796115330, ClinGen allele CA65983670.